The following is an entry in ClinVar:

NM_014915.3(ANKRD26):c.1077G>A (p.Lys359=)

Gene: ANKRD26 (ankyrin repeat domain 26; minus strand). Cytogenetic location: 10p12.1.
Variant type: single nucleotide variant.
Coding change: c.1077G>A on transcript NM_014915.3 (MANE Select); coding-DNA position 1077, G replaced by A.
Protein change: p.Lys359=; no amino-acid change (lysine 359 retained).
Molecular consequence: synonymous variant.
Genome position (GRCh38, 1-based): chr10:27,077,338, C>T on the plus strand (G>A on the coding strand, the complement: ANKRD26 is on the minus strand). VCF-style: chr10-27077338-C-T. GRCh37 (hg19) VCF-style: chr10-27366267-C-T.
Other names: c.1077G>A, p.Lys359= (NM_001256053.2).
Identifiers: ClinVar variation 2959620 (VCV002959620.3), dbSNP rs2539119064, ClinGen allele CA468488192.

ClinVar aggregate classification (germline): Uncertain significance (1 of 4 stars; one submission).

Allele frequency attached by ClinVar (database versions not stated): gnomAD exomes below 0.00001.
gnomAD v4.1: 1 of 1,612,078 alleles (0.000062%); highest among the groups gnomAD compares: Non-Finnish European, 0.000085%; no homozygotes.

Submission:

Labcorp Genetics (formerly Invitae), Labcorp
Classification: Uncertain significance. Last evaluated: 2025-03-17. Review status: criteria provided, single submitter. Criteria: Invitae Variant Classification Sherloc (09022015). Collection method: clinical testing. Allele origin: germline.
Comment: This sequence change affects codon 359 of the ANKRD26 mRNA. It is a 'silent' change, meaning that it does not change the encoded amino acid sequence of the ANKRD26 protein. This variant also falls at the last nucleotide of exon 9, which is part of the consensus splice site for this exon. This variant is not present in population databases (gnomAD no frequency). This variant has not been reported in the literature in individuals affected with ANKRD26-related conditions. ClinVar contains an entry for this variant (Variation ID: 2959620). Variants that disrupt the consensus splice site are a relatively common cause of aberrant splicing (PMID: 17576681, 9536098). Algorithms developed to predict the effect of sequence changes on RNA splicing suggest that this variant is not likely to affect RNA splicing. In summary, the available evidence is currently insufficient to determine the role of this variant in disease. Therefore, it has been classified as a Variant of Uncertain Significance.

Literature cited by the submitters: PubMed 17576681; PubMed 9536098.